The following is an entry in ClinVar:

NM_022124.6(CDH23):c.2895G>A (p.Val965=)

Gene: CDH23 (cadherin related 23; plus strand). Cytogenetic location: 10q22.1.
Variant type: single nucleotide variant.
Coding change: c.2895G>A on transcript NM_022124.6 (MANE Select); coding-DNA position 2895, G replaced by A.
Protein change: p.Val965=; no amino-acid change (valine 965 retained).
Molecular consequence: synonymous variant.
Genome position (GRCh38, 1-based): chr10:71,705,072, G>A. VCF-style: chr10-71705072-G-A. GRCh37 (hg19) VCF-style: chr10-73464829-G-A.
Other names: c.2895G>A (NM_022124.5); c.2895G>A, p.Val965= (NM_001171930.2, NM_001171931.2).
Identifiers: ClinVar variation 1109322 (VCV001109322.11), dbSNP rs761261625, ClinGen allele CA5544370.
Genomic context (GRCh38, chr10:71,705,072, plus strand): 5'-CGTGGTGGTCACCACCACCGAGCTGGACCGCGAGCGCATCGCGGAGTACCAGCTGCGGGT[G>A]GTGGCCAGTGATGCAGGCACGCCCACCAAGAGCTCCACCAGCACGCTCACCATCCATGGT-3'
Protein context (NP_071407.4, residues 955-975): RERIAEYQLR[Val965=]VASDAGTPTK

ClinVar aggregate classification (germline): Likely benign. Review status: criteria provided, multiple submitters, no conflicts (2 of 4 stars). 3 submissions from 3 submitters: Likely benign (3). Last evaluated 2025-03-17.

Conditions:
CDH23-related disorder. Also called: CDH23-related condition; CDH23-related disorders.

Allele frequency attached by ClinVar (database versions not stated): gnomAD 0.00001; gnomAD exomes 0.00001 and 0.00003; ExAC 0.00002; TOPMed 0.00002.
gnomAD v4.1: 46 of 1,612,380 alleles (0.0029%); highest among the groups gnomAD compares: Non-Finnish European, 0.0039%; no homozygotes.

Submissions (3):

Labcorp Genetics (formerly Invitae), Labcorp
Classification: Likely benign. Last evaluated: 2025-03-17. Review status: criteria provided, single submitter. Criteria: Invitae Variant Classification Sherloc (09022015). Collection method: clinical testing. Allele origin: germline.

PreventionGenetics, part of Exact Sciences
Classification: Likely benign for CDH23-related condition. Last evaluated: 2025-02-17. Review status: criteria provided, single submitter. Criteria: ACMG Guidelines, 2015. Collection method: clinical testing. Allele origin: germline.
Comment: This variant is classified as likely benign based on ACMG/AMP sequence variant interpretation guidelines (Richards et al. 2015 PMID: 25741868, with internal and published modifications).

Blueprint Genetics
Classification: Likely benign. Last evaluated: 2024-09-25. Review status: criteria provided, single submitter. Criteria: ACMG Guidelines, 2015. Collection method: clinical testing. Allele origin: germline.